The following is an entry in ClinVar:

NM_001458.5(FLNC):c.3765C>A (p.Val1255=)

Gene: FLNC (filamin C; plus strand). Cytogenetic location: 7q32.1.
Variant type: single nucleotide variant.
Coding change: c.3765C>A on transcript NM_001458.5 (MANE Select); coding-DNA position 3765, C replaced by A.
Protein change: p.Val1255=; no amino-acid change (valine 1255 retained).
Molecular consequence: synonymous variant.
Genome position (GRCh38, 1-based): chr7:128,845,230, C>A. VCF-style: chr7-128845230-C-A. GRCh37 (hg19) VCF-style: chr7-128485284-C-A.
Other names: c.3765C>A, p.Val1255= (NM_001127487.2).
Identifiers: ClinVar variation 472047 (VCV000472047.47), dbSNP rs556428588, ClinGen allele CA4475117.
Genomic context (GRCh38, chr7:128,845,230, plus strand): 5'-GCCCAAATTCCCCACCCGTGTCCATGTGCAGCCTGCGGTCGATACCAGTGGCGTCAAGGT[C>A]TCAGGGCCTGGTGTTGAGCCACACGGTGAGTGGACAGGAGGAGCCAAGAAAGGTCAAGTG-3'
Protein context (NP_001449.3, residues 1245-1265): QPAVDTSGVK[Val1255=]SGPGVEPHGV

ClinVar aggregate classification (germline): Benign/Likely benign. Review status: criteria provided, multiple submitters, no conflicts (2 of 4 stars). 9 submissions from 9 submitters: Benign (5); Likely benign (2). 2 of the submissions do not count toward it. Last evaluated 2026-05-24.

Conditions:
Cardiovascular phenotype. Identifiers: MedGen CN230736.
Hypertrophic cardiomyopathy 26. Also called: Cardiomyopathy, familial hypertrophic, 26. Identifiers: Orphanet 75249, MedGen C4310749, MONDO:0014883, OMIM 617047.
Myofibrillar myopathy 5. Also called: Filaminopathy (type); FILAMINOPATHY, AUTOSOMAL DOMINANT. Identifiers: Orphanet 171445, MedGen C1836050, MONDO:0012289, OMIM 609524.
Distal myopathy with posterior leg and anterior hand involvement. Also called: WILLIAMS DISTAL MYOPATHY. Identifiers: Orphanet 63273, MedGen C3279722, MONDO:0013550, OMIM 614065.

Allele frequency attached by ClinVar (database versions not stated): gnomAD below 0.00001 and 0.00033; TOPMed 0.00004; 1000 Genomes Project 0.00200; 1000 Genomes Project 30x 0.00219.
gnomAD v4.1: 1,049 of 1,613,736 alleles (0.065%); highest among the groups gnomAD compares: South Asian, 1.1%; 10 homozygotes.

Submissions (9):

Women's Health and Genetics/Laboratory Corporation of America, LabCorp
Classification: Benign. Last evaluated: 2026-05-24. Review status: criteria provided, single submitter. Criteria: LabCorp Variant Classification Summary - May 2015. Collection method: clinical testing. Allele origin: germline.

Labcorp Genetics (formerly Invitae), Labcorp
Classification: Benign for Distal myopathy with posterior leg and anterior hand involvement; Myofibrillar myopathy 5; Hypertrophic cardiomyopathy 26. Last evaluated: 2026-02-02. Review status: criteria provided, single submitter. Criteria: Invitae Variant Classification Sherloc (09022015). Collection method: clinical testing. Allele origin: germline.

Molecular Diagnostic Laboratory for Inherited Cardiovascular Disease, Montreal Heart Institute
Classification: Benign. Last evaluated: 2025-04-09. Review status: criteria provided, single submitter. Criteria: ACMG Guidelines, 2015. Collection method: clinical testing. Allele origin: germline. Affected: no.

Blueprint Genetics
Classification: Likely benign. Last evaluated: 2024-11-27. Review status: criteria provided, single submitter. Criteria: ACMG Guidelines, 2015. Collection method: clinical testing. Allele origin: germline.

CeGaT Center for Human Genetics Tuebingen
Classification: Likely benign. Last evaluated: 2024-10-01. Review status: criteria provided, single submitter. Criteria: CeGaT Center For Human Genetics Tuebingen Variant Classification Criteria Version 2. Collection method: clinical testing. Allele origin: germline. Affected: yes. Observed: 2 variant alleles.
Comment: FLNC: PP3, BS1

Ambry Genetics
Classification: Benign for Cardiovascular phenotype. Last evaluated: 2020-03-04. Review status: criteria provided, single submitter. Criteria: Ambry Variant Classification Scheme 2023. Collection method: clinical testing. Allele origin: germline.

GeneDx
Classification: Benign. Last evaluated: 2018-09-25. Review status: criteria provided, single submitter. Criteria: GeneDx Variant Classification Process June 2021. Collection method: clinical testing. Allele origin: germline. Affected: yes.

Clinical Genetics DNA and cytogenetics Diagnostics Lab, Erasmus MC, Erasmus Medical Center
Classification: Benign. Review status: no assertion criteria provided. Collection method: clinical testing. Allele origin: germline. Affected: yes. Study: VKGL Data-share Consensus. Not counted in ClinVar's aggregate classification.

Genome Diagnostics Laboratory, University Medical Center Utrecht
Classification: Benign. Review status: no assertion criteria provided. Collection method: clinical testing. Allele origin: germline. Affected: yes. Study: VKGL Data-share Consensus. Not counted in ClinVar's aggregate classification.